The following is an entry in ClinVar:

NM_032634.4(PIGO):c.1789C>A (p.Pro597Thr)

Gene: PIGO (phosphatidylinositol glycan anchor biosynthesis class O; minus strand). Cytogenetic location: 9p13.3.
Variant type: single nucleotide variant.
Coding change: c.1789C>A on transcript NM_032634.4 (MANE Select); coding-DNA position 1789, C replaced by A.
Protein change: p.Pro597Thr; replaces proline 597 with threonine.
Molecular consequence: missense variant. On other transcripts: intron variant (2).
Genome position (GRCh38, 1-based): chr9:35,092,098, G>T on the plus strand (C>A on the coding strand, the complement: PIGO is on the minus strand). VCF-style: chr9-35092098-G-T. GRCh37 (hg19) VCF-style: chr9-35092095-G-T.
Other names: c.1344+445C>A (NM_152850.4, NM_001201484.2); short protein forms P597T.
Identifiers: ClinVar variation 1013714 (VCV001013714.8), dbSNP rs1829451050, ClinGen allele CA373321410.

ClinVar aggregate classification (germline): Uncertain significance (1 of 4 stars; one submission).

Conditions:
Hyperphosphatasia with impaired intellectual development syndrome 2. Also called: Hyperphosphatasia with intellectual disability syndrome 2; GLYCOSYLPHOSPHATIDYLINOSITOL BIOSYNTHESIS DEFECT 6. Identifiers: Orphanet 247262, MedGen C3553637, MONDO:0013882, OMIM 614749.

Submission:

Labcorp Genetics (formerly Invitae), Labcorp
Classification: Uncertain significance for Hyperphosphatasia with impaired intellectual development syndrome 2. Last evaluated: 2020-08-07. Review status: criteria provided, single submitter. Criteria: Invitae Variant Classification Sherloc (09022015). Collection method: clinical testing. Allele origin: germline.
Comment: In summary, the available evidence is currently insufficient to determine the role of this variant in disease. Therefore, it has been classified as a Variant of Uncertain Significance. Algorithms developed to predict the effect of missense changes on protein structure and function are either unavailable or do not agree on the potential impact of this missense change (SIFT: "Tolerated"; PolyPhen-2: "Possibly Damaging"; Align-GVGD: "Class C0"). This variant has not been reported in the literature in individuals with PIGO-related conditions. This variant is not present in population databases (ExAC no frequency). This sequence change replaces proline with threonine at codon 597 of the PIGO protein (p.Pro597Thr). The proline residue is moderately conserved and there is a small physicochemical difference between proline and threonine.